The following is an entry in ClinVar:

ClinVar aggregate classification (germline): Uncertain significance. Review status: criteria provided, multiple submitters, no conflicts (2 of 4 stars). 2 submissions from 2 submitters: Uncertain significance (2). Last evaluated 2025-10-17.

Conditions:
Inborn genetic diseases. Identifiers: MedGen C0950123, MeSH D030342.

Allele frequency attached by ClinVar (database versions not stated): gnomAD 0.00001; gnomAD exomes 0.00001; TOPMed 0.00002.
gnomAD v4.1: 17 of 1,560,020 alleles (0.0011%); highest among the groups gnomAD compares: African/African-American, 0.0027%; no homozygotes.

Submissions (2):

Labcorp Genetics (formerly Invitae), Labcorp
Classification: Uncertain significance. Last evaluated: 2025-10-17. Review status: criteria provided, single submitter. Criteria: Invitae Variant Classification Sherloc (09022015). Collection method: clinical testing. Allele origin: germline.
Comment: This sequence change replaces proline, which is neutral and non-polar, with leucine, which is neutral and non-polar, at codon 484 of the ACAN protein (p.Pro484Leu). The frequency data for this variant in the population databases is considered unreliable, as metrics indicate poor data quality at this position in the gnomAD database. This variant has not been reported in the literature in individuals affected with ACAN-related conditions. ClinVar contains an entry for this variant (Variation ID: 1381554). Invitae Evidence Modeling of protein sequence and biophysical properties (such as structural, functional, and spatial information, amino acid conservation, physicochemical variation, residue mobility, and thermodynamic stability) indicates that this missense variant is not expected to disrupt ACAN protein function with a negative predictive value of 80%. In summary, the available evidence is currently insufficient to determine the role of this variant in disease. Therefore, it has been classified as a Variant of Uncertain Significance.

Ambry Genetics
Classification: Uncertain significance for Inborn genetic diseases. Last evaluated: 2024-09-08. Review status: criteria provided, single submitter. Criteria: Ambry Variant Classification Scheme 2023. Collection method: clinical testing. Allele origin: germline.

NM_001369268.1(ACAN):c.1451C>T (p.Pro484Leu)

Gene: ACAN (aggrecan; plus strand). Cytogenetic location: 15q26.1.
Variant type: single nucleotide variant.
Coding change: c.1451C>T on transcript NM_001369268.1 (MANE Select); coding-DNA position 1451, C replaced by T.
Protein change: p.Pro484Leu; replaces proline 484 with leucine.
Molecular consequence: missense variant.
Genome position (GRCh38, 1-based): chr15:88,847,264, C>T. VCF-style: chr15-88847264-C-T. GRCh37 (hg19) VCF-style: chr15-89390495-C-T.
Other names: c.1451C>T, p.Pro484Leu (NM_001135.4, NM_013227.4); c.1451C>T (NM_013227.3); short protein forms P484L.
Identifiers: ClinVar variation 1381554 (VCV001381554.9), dbSNP rs1004496493, ClinGen allele CA274471727.
Genomic context (GRCh38, chr15:88,847,264, plus strand): 5'-TGGGTCCCTGAACCTGACCGCTCCCTCCTCCCCACCCAGGGGTCGTCTTCCACTACCGCC[C>T]GGGACCCACCCGCTACTCGCTGACCTTTGAGGAGGCACAGCAGGCCTGCCTGCGCACGGG-3'
Protein context (NP_001356197.1, residues 474-494): LPGGVVFHYR[Pro484Leu]GPTRYSLTFE